The following is an entry in ClinVar:

NM_003872.3(NRP2):c.265G>T (p.Glu89Ter)

Gene: NRP2 (neuropilin 2; plus strand). Cytogenetic location: 2q33.3.
Variant type: single nucleotide variant.
Coding change: c.265G>T on transcript NM_003872.3 (MANE Select); coding-DNA position 265, G replaced by T.
Protein change: p.Glu89Ter; replaces glutamic acid 89 with a stop codon.
Molecular consequence: nonsense.
Genome position (GRCh38, 1-based): chr2:205,716,206, G>T. VCF-style: chr2-205716206-G-T. GRCh37 (hg19) VCF-style: chr2-206580930-G-T.
Other names: c.265G>T, p.Glu89Ter (NM_018534.4, NM_201264.2, NM_201266.2 and 2 more transcripts); short protein forms E89*.
Identifiers: ClinVar variation 3348023 (VCV003348023.1).

ClinVar aggregate classification (germline): Uncertain significance (0 of 4 stars; one submission).

Conditions:
NRP2-related disorder. Also called: NRP2-related condition.

Submission:

PreventionGenetics, part of Exact Sciences
Classification: Uncertain significance for NRP2-related condition. Last evaluated: 2024-01-16. Review status: no assertion criteria provided. Collection method: clinical testing. Allele origin: germline.
Comment: The NRP2 c.265G>T variant is predicted to result in premature protein termination (p.Glu89*). To our knowledge, this variant has not been reported in the literature or in a large population database, indicating this variant is rare. At this time, the clinical significance of this variant is uncertain due to the absence of conclusive functional and genetic evidence.